The following is an entry in ClinVar:

NM_020529.3(NFKBIA):c.410del (p.Pro137fs)

Genes: NFKBIA (NFKB inhibitor alpha; minus strand), LOC130055494 (ATAC-STARR-seq lymphoblastoid active region 8276; plus strand). Cytogenetic location: 14q13.2.
Variant type: Deletion.
Coding change: c.410del on transcript NM_020529.3 (MANE Select); coding-DNA position 410, one base deleted (C; older notation c.410delC).
Protein change: p.Pro137fs; shifts the reading frame from proline 137.
Molecular consequence: frameshift variant.
Genome position (GRCh38, 1-based): chr14:35,403,287, G deleted on the plus strand (C on the coding strand, the reverse complement: NFKBIA is on the minus strand); the first of 2 consecutive G bases (chr14:35,403,287-35,403,288); deleting either gives the same sequence. VCF-style (leftmost placement, unchanged base first): chr14-35403286-AG-A. GRCh37 (hg19) VCF-style: chr14-35872492-AG-A.
Other names: short protein forms P137fs.
Identifiers: ClinVar variation 2096734 (VCV002096734.4), dbSNP rs2502184287, ClinGen allele CA2580088055.

ClinVar aggregate classification (germline): Uncertain significance (1 of 4 stars; one submission).

Conditions:
Ectodermal dysplasia and immunodeficiency 2. Identifiers: Orphanet 238468, Orphanet 98813, MedGen C2677481, MONDO:0012806, OMIM 612132.

Submission:

Labcorp Genetics (formerly Invitae), Labcorp
Classification: Uncertain significance for Ectodermal dysplasia and immunodeficiency 2. Last evaluated: 2022-02-11. Review status: criteria provided, single submitter. Criteria: Invitae Variant Classification Sherloc (09022015). Collection method: clinical testing. Allele origin: germline.
Comment: This variant has not been reported in the literature in individuals affected with NFKBIA-related conditions. This variant is not present in population databases (gnomAD no frequency). This sequence change creates a premature translational stop signal (p.Pro137Leufs*27) in the NFKBIA gene. It is expected to result in an absent or disrupted protein product. However, the current clinical and genetic evidence is not sufficient to establish whether loss-of-function variants in NFKBIA cause disease. In summary, the available evidence is currently insufficient to determine the role of this variant in disease. Therefore, it has been classified as a Variant of Uncertain Significance.